The following is an entry in ClinVar:

NM_001395002.1(MAP4K4):c.3635T>C (p.Leu1212Ser)

Gene: MAP4K4 (mitogen-activated protein kinase kinase kinase kinase 4; plus strand). Cytogenetic location: 2q11.2.
Variant type: single nucleotide variant.
Coding change: c.3635T>C on transcript NM_001395002.1 (MANE Select); coding-DNA position 3635, T replaced by C.
Protein change: p.Leu1212Ser; replaces leucine 1212 with serine.
Molecular consequence: missense variant. On other transcripts: non-coding transcript variant (4).
Genome position (GRCh38, 1-based): chr2:101,887,101, T>C. VCF-style: chr2-101887101-T-C. GRCh37 (hg19) VCF-style: chr2-102503563-T-C.
Other names: c.3200T>C, p.Leu1067Ser (NM_001242559.2); c.3188T>C, p.Leu1063Ser (NM_001242560.2); c.3278T>C, p.Leu1093Ser (NM_001384476.1); c.3467T>C, p.Leu1156Ser (NM_001384477.1); c.2957T>C, p.Leu986Ser (NM_001384478.1); c.3395T>C, p.Leu1132Ser (NM_001384481.1); c.2948T>C, p.Leu983Ser (NM_001384482.1); c.3230T>C, p.Leu1077Ser (NM_001384483.1); and 39 more; short protein forms L1005S, L1016S, L1017S, L1028S, L1031S, L1040S, L1041S, L1050S.
Identifiers: ClinVar variation 4083183 (VCV004083183.1).

ClinVar aggregate classification (germline): Uncertain significance (1 of 4 stars; one submission).

Submission:

GeneDx
Classification: Uncertain significance. Last evaluated: 2025-03-13. Review status: criteria provided, single submitter. Criteria: GeneDx Variant Classification Process June 2021. Collection method: clinical testing. Allele origin: germline. Affected: yes.
Comment: Not observed at significant frequency in large population cohorts (gnomAD); In silico analysis supports that this missense variant has a deleterious effect on protein structure/function; Has not been previously published as pathogenic or benign to our knowledge